The following is an entry in ClinVar:

ClinVar aggregate classification (germline): Uncertain significance (1 of 4 stars; one submission).

Conditions:
Bardet-Biedl syndrome (BBS). Identifiers: Orphanet 110, MedGen C0752166, MONDO:0015229.

Allele frequency attached by ClinVar (database versions not stated): TOPMed below 0.00001; gnomAD 0.00001.
gnomAD v4.1: 1 of 1,614,124 alleles (0.000062%); highest among the groups gnomAD compares: African/African-American, 0.0013%; no homozygotes.

Submission:

Labcorp Genetics (formerly Invitae), Labcorp
Classification: Uncertain significance for Bardet-Biedl syndrome. Last evaluated: 2023-11-27. Review status: criteria provided, single submitter. Criteria: Invitae Variant Classification Sherloc (09022015). Collection method: clinical testing. Allele origin: germline.
Comment: This sequence change replaces isoleucine, which is neutral and non-polar, with phenylalanine, which is neutral and non-polar, at codon 331 of the BBS4 protein (p.Ile331Phe). This variant is not present in population databases (gnomAD no frequency). This variant has not been reported in the literature in individuals affected with BBS4-related conditions. ClinVar contains an entry for this variant (Variation ID: 1989276). Advanced modeling of protein sequence and biophysical properties (such as structural, functional, and spatial information, amino acid conservation, physicochemical variation, residue mobility, and thermodynamic stability) performed at Invitae indicates that this missense variant is expected to disrupt BBS4 protein function with a positive predictive value of 80%. In summary, the available evidence is currently insufficient to determine the role of this variant in disease. Therefore, it has been classified as a Variant of Uncertain Significance.

NM_033028.5(BBS4):c.991A>T (p.Ile331Phe)

Gene: BBS4 (Bardet-Biedl syndrome 4; plus strand). Cytogenetic location: 15q24.1.
Variant type: single nucleotide variant.
Coding change: c.991A>T on transcript NM_033028.5 (MANE Select); coding-DNA position 991, A replaced by T.
Protein change: p.Ile331Phe; replaces isoleucine 331 with phenylalanine.
Molecular consequence: missense variant. On other transcripts: non-coding transcript variant (2).
Genome position (GRCh38, 1-based): chr15:72,731,681, A>T. VCF-style: chr15-72731681-A-T. GRCh37 (hg19) VCF-style: chr15-73024022-A-T.
Other names: c.475A>T, p.Ile159Phe (NM_001252678.2); c.922A>T, p.Ile308Phe (NM_001320665.2); short protein forms I159F, I308F, I331F.
Identifiers: ClinVar variation 1989276 (VCV001989276.4), dbSNP rs1316841175, ClinGen allele CA393078997.
Genomic context (GRCh38, chr15:72,731,681, plus strand): 5'-GGCCTTGTCCATTTGACCATGCAGCAGTATGCATCAGCTTTTCATTTTCTCAGTGCGGCC[A>T]TCAACTTCCAGCCAAAGATGGGGGAGCTCTACATGCTCTTGGCAGGTAAGAAACATTTAT-3'
Protein context (NP_149017.2, residues 321-341): ASAFHFLSAA[Ile331Phe]NFQPKMGELY